The following is an entry in ClinVar:

NM_000135.4(FANCA):c.2162T>G (p.Leu721Arg)

Gene: FANCA (FA complementation group A; minus strand). Cytogenetic location: 16q24.3.
Variant type: single nucleotide variant.
Coding change: c.2162T>G on transcript NM_000135.4 (MANE Select); coding-DNA position 2162, T replaced by G.
Protein change: p.Leu721Arg; replaces leucine 721 with arginine.
Molecular consequence: missense variant.
Genome position (GRCh38, 1-based): chr16:89,770,624, A>C on the plus strand (T>G on the coding strand, the complement: FANCA is on the minus strand). VCF-style: chr16-89770624-A-C. GRCh37 (hg19) VCF-style: chr16-89837032-A-C.
Other names: c.2162T>G, p.Leu721Arg (NM_001286167.3); short protein forms L721R.
Identifiers: ClinVar variation 2201859 (VCV002201859.1), dbSNP rs2544199138, ClinGen allele CA397447379.

ClinVar aggregate classification (germline): Uncertain significance (1 of 4 stars; one submission).

Conditions:
Fanconi anemia (FA). Also called: Fanconi's anemia. Identifiers: Orphanet 84, MedGen C0015625, MeSH D005199, MONDO:0019391.

Submission:

Labcorp Genetics (formerly Invitae), Labcorp
Classification: Uncertain significance for Fanconi anemia. Last evaluated: 2022-05-03. Review status: criteria provided, single submitter. Criteria: Invitae Variant Classification Sherloc (09022015). Collection method: clinical testing. Allele origin: germline.
Comment: This sequence change replaces leucine, which is neutral and non-polar, with arginine, which is basic and polar, at codon 721 of the FANCA protein (p.Leu721Arg). This variant is not present in population databases (gnomAD no frequency). This variant has not been reported in the literature in individuals affected with FANCA-related conditions. Advanced modeling of protein sequence and biophysical properties (such as structural, functional, and spatial information, amino acid conservation, physicochemical variation, residue mobility, and thermodynamic stability) performed at Invitae indicates that this missense variant is expected to disrupt FANCA protein function. In summary, the available evidence is currently insufficient to determine the role of this variant in disease. Therefore, it has been classified as a Variant of Uncertain Significance.